The following is an entry in ClinVar:

ClinVar aggregate classification (germline): Conflicting classifications of pathogenicity. Review status: criteria provided, conflicting classifications (1 of 4 stars). 3 submissions from 3 submitters: Uncertain significance (1); Likely benign (1). 1 of the submissions does not count toward it. Last evaluated 2024-09-18.

Conditions:
Inborn genetic diseases. Identifiers: MedGen C0950123, MeSH D030342.
SLFN14-related disorder. Also called: SLFN14-related condition.

Allele frequency attached by ClinVar (database versions not stated): ExAC 0.00015; 1000 Genomes Project 30x 0.00047; ESP Exome Variant Server 0.00110.

Submissions (3):

Blueprint Genetics
Classification: Likely benign. Last evaluated: 2024-09-18. Review status: criteria provided, single submitter. Criteria: ACMG Guidelines, 2015. Collection method: clinical testing. Allele origin: germline.

Ambry Genetics
Classification: Uncertain significance for Inborn genetic diseases. Last evaluated: 2024-01-23. Review status: criteria provided, single submitter. Criteria: Ambry Variant Classification Scheme 2023. Collection method: clinical testing. Allele origin: germline.

PreventionGenetics, part of Exact Sciences
Classification: Likely benign for SLFN14-related condition. Last evaluated: 2024-08-06. Review status: no assertion criteria provided. Collection method: clinical testing. Allele origin: germline. Not counted in ClinVar's aggregate classification.
Comment: This variant is classified as likely benign based on ACMG/AMP sequence variant interpretation guidelines (Richards et al. 2015 PMID: 25741868, with internal and published modifications).

NM_001129820.2(SLFN14):c.1396C>T (p.Pro466Ser)

Genes: SLFN14 (schlafen family member 14; minus strand), LOC107985033 (uncharacterized LOC107985033; plus strand). Cytogenetic location: 17q12.
Variant type: single nucleotide variant.
Coding change: c.1396C>T on transcript NM_001129820.2 (MANE Select); coding-DNA position 1396, C replaced by T.
Protein change: p.Pro466Ser; replaces proline 466 with serine.
Molecular consequence: missense variant. On other transcripts: non-coding transcript variant (2).
Genome position (GRCh38, 1-based): chr17:35,553,238, G>A on the plus strand (C>T on the coding strand, the complement: SLFN14 is on the minus strand). VCF-style: chr17-35553238-G-A. GRCh37 (hg19) VCF-style: chr17-33880257-G-A.
Other names: short protein forms P466S.
Identifiers: ClinVar variation 2213245 (VCV002213245.4), dbSNP rs369307237, ClinGen allele CA8504627.